The following is an entry in ClinVar:

NM_001199799.2(ILDR1):c.-4C>T

Gene: ILDR1 (immunoglobulin like domain containing receptor 1; minus strand). Cytogenetic location: 3q13.33.
Variant type: single nucleotide variant.
Coding change: c.-4C>T on transcript NM_001199799.2 (MANE Select); 4 bases upstream of the start codon, C replaced by T.
Molecular consequence: 5 prime UTR variant.
Genome position (GRCh38, 1-based): chr3:122,022,081, G>A on the plus strand (C>T on the coding strand, the complement: ILDR1 is on the minus strand). VCF-style: chr3-122022081-G-A. GRCh37 (hg19) VCF-style: chr3-121740928-G-A.
Other names: c.-4C>T (NM_001199800.2, NM_175924.4).
Identifiers: ClinVar variation 517514 (VCV000517514.5), dbSNP rs761442523, ClinGen allele CA2569099.
Genomic context (GRCh38, chr3:122,022,081, plus strand): 5'-TGCTGGGAGCCAGGTGCAGAGCAGCAGCCAAGGTGCGGGCAGTTTGGGCCATGCCATGCC[G>A]CCCCCTTTCTGGCCCTTTTCAGCTCAGGGGCTTCGGGGCACTGCGTCTTTCTTCCTCAGC-3'

ClinVar aggregate classification (germline): Uncertain significance. Review status: criteria provided, multiple submitters, no conflicts (2 of 4 stars). 2 submissions from 2 submitters: Uncertain significance (2). Last evaluated 2025-09-25.

Allele frequency attached by ClinVar (database versions not stated): TOPMed 0.00006.
gnomAD v4.1: 4 of 1,604,470 alleles (0.00025%); highest among the groups gnomAD compares: East Asian, 0.009%; no homozygotes.

Submissions (2):

GeneDx
Classification: Uncertain significance. Last evaluated: 2025-09-25. Review status: criteria provided, single submitter. Criteria: GeneDx Variant Classification Process June 2021. Collection method: clinical testing. Allele origin: germline. Affected: yes.
Comment: Nucleotide is not conserved across species and the substitution has no predicted effect on splicing; Has not been previously published as pathogenic or benign to our knowledge; Alters the Kozak sequence, which plays a major role in the initiation of translation

Laboratory for Molecular Medicine, Mass General Brigham Personalized Medicine
Classification: Uncertain significance. Last evaluated: 2017-08-10. Review status: criteria provided, single submitter. Criteria: LMM Criteria. Collection method: clinical testing. Allele origin: germline. Observed: 1 variant allele.